The following is an entry in ClinVar:

NM_000243.3(MEFV):c.1337A>C (p.Glu446Ala)

Gene: MEFV (MEFV innate immunity regulator, pyrin; minus strand). Cytogenetic location: 16p13.3.
Variant type: single nucleotide variant.
Coding change: c.1337A>C on transcript NM_000243.3 (MANE Select); coding-DNA position 1337, A replaced by C.
Protein change: p.Glu446Ala; replaces glutamic acid 446 with alanine.
Molecular consequence: missense variant.
Genome position (GRCh38, 1-based): chr16:3,248,928, T>G on the plus strand (A>C on the coding strand, the complement: MEFV is on the minus strand). VCF-style: chr16-3248928-T-G. GRCh37 (hg19) VCF-style: chr16-3298928-T-G.
Other names: c.704A>C, p.Glu235Ala (NM_001198536.2); short protein forms E446A, E235A.
Identifiers: ClinVar variation 234502 (VCV000234502.13), dbSNP rs749651486, ClinGen allele CA7860180.

ClinVar aggregate classification (germline): Conflicting classifications of pathogenicity. Review status: criteria provided, conflicting classifications (1 of 4 stars). 8 submissions from 6 submitters: Uncertain significance (5); Likely benign (2). 1 of the submissions does not count toward it. Last evaluated 2024-05-01.

Conditions:
Familial Mediterranean fever, autosomal dominant. Also called: Dominant Familial Mediterranean Fever; FMF, AUTOSOMAL DOMINANT. Identifiers: Orphanet 342, MedGen C1851347, MONDO:0007601, OMIM 134610.
Acute febrile neutrophilic dermatosis (AFND). Also called: Sweet Syndrome; Gomm Button disease. Identifiers: Orphanet 3243, MedGen C0085077, MONDO:0011959, OMIM 608068.
Autoinflammatory syndrome. Identifiers: Orphanet 93665, MedGen C3890737, MONDO:0019751.
Familial Mediterranean fever (FMF). Also called: POLYSEROSITIS, FAMILIAL PAROXYSMAL; POLYSEROSITIS, RECURRENT; Periodic peritonitis; Benign paroxysmal peritonitis. Identifiers: Orphanet 342, MedGen C0031069, MONDO:0018088, OMIM 249100. Disease mechanism: gain of function.

Allele frequency attached by ClinVar (database versions not stated): ExAC 0.00002; gnomAD exomes 0.00004 and 0.00018; gnomAD 0.00003 and 0.00004; TOPMed 0.00014.
gnomAD v4.1: 272 of 1,614,048 alleles (0.017%); highest among the groups gnomAD compares: Non-Finnish European, 0.022%; no homozygotes.

Submissions (8):

Fulgent Genetics
Classification: Uncertain significance for Familial Mediterranean fever, autosomal dominant; Familial Mediterranean fever; Acute febrile neutrophilic dermatosis. Last evaluated: 2024-05-01. Review status: criteria provided, single submitter. Criteria: ACMG Guidelines, 2015. Collection method: clinical testing. Allele origin: germline.

Genome-Nilou Lab
Classification: Uncertain significance for Familial Mediterranean fever. Last evaluated: 2023-02-08. Review status: criteria provided, single submitter. Criteria: ACMG Guidelines, 2015. Collection method: clinical testing. Allele origin: germline.

Genome-Nilou Lab
Classification: Likely benign for Familial Mediterranean fever, autosomal dominant. Last evaluated: 2023-02-08. Review status: criteria provided, single submitter. Criteria: ACMG Guidelines, 2015. Collection method: clinical testing. Allele origin: germline.

Genome-Nilou Lab
Classification: Likely benign for Acute febrile neutrophilic dermatosis. Last evaluated: 2023-02-08. Review status: criteria provided, single submitter. Criteria: ACMG Guidelines, 2015. Collection method: clinical testing. Allele origin: germline.

Labcorp Genetics (formerly Invitae), Labcorp
Classification: Uncertain significance for Familial Mediterranean fever. Last evaluated: 2022-06-12. Review status: criteria provided, single submitter. Criteria: Invitae Variant Classification Sherloc (09022015). Collection method: clinical testing. Allele origin: germline.
Comment: This sequence change replaces glutamic acid, which is acidic and polar, with alanine, which is neutral and non-polar, at codon 446 of the MEFV protein (p.Glu446Ala). This variant is present in population databases (rs749651486, gnomAD 0.008%). This variant has not been reported in the literature in individuals affected with MEFV-related conditions. ClinVar contains an entry for this variant (Variation ID: 234502). Algorithms developed to predict the effect of missense changes on protein structure and function (SIFT, PolyPhen-2, Align-GVGD) all suggest that this variant is likely to be tolerated. In summary, the available evidence is currently insufficient to determine the role of this variant in disease. Therefore, it has been classified as a Variant of Uncertain Significance.

GeneDx
Classification: Uncertain significance. Last evaluated: 2020-09-09. Review status: criteria provided, single submitter. Criteria: GeneDx Variant Classification Process June 2021. Collection method: clinical testing. Allele origin: germline. Affected: yes.
Comment: In silico analysis supports that this missense variant does not alter protein structure/function; Has not been previously published as pathogenic or benign to our knowledge

Genome Diagnostics Laboratory, The Hospital for Sick Children
Classification: Uncertain significance for Autoinflammatory syndrome. Last evaluated: 2018-07-01. Review status: criteria provided, single submitter. Criteria: ACMG Guidelines, 2015. Collection method: clinical testing. Allele origin: germline. Affected: yes.

Natera, Inc.
Classification: Uncertain significance for Familial Mediterranean fever. Last evaluated: 2020-09-16. Review status: no assertion criteria provided. Collection method: clinical testing. Allele origin: germline. Not counted in ClinVar's aggregate classification.